The following is an entry in ClinVar:

ClinVar aggregate classification (germline): Uncertain significance (1 of 4 stars; one submission).

Conditions:
Hereditary cancer-predisposing syndrome. Also called: Hereditary Cancer Syndrome; Tumor predisposition; Hereditary neoplastic syndrome; Neoplastic Syndromes, Hereditary. Identifiers: Orphanet 140162, MedGen C0027672, MeSH D009386, MONDO:0015356.

Submission:

Ambry Genetics
Classification: Uncertain significance for Hereditary cancer-predisposing syndrome. Last evaluated: 2024-05-24. Review status: criteria provided, single submitter. Criteria: Ambry Variant Classification Scheme 2023. Collection method: clinical testing. Allele origin: germline.
Comment: The p.Y133H variant (also known as c.397T>C), located in coding exon 4 of the BMPR1A gene, results from a T to C substitution at nucleotide position 397. The tyrosine at codon 133 is replaced by histidine, an amino acid with similar properties. This amino acid position is conserved. In addition, the in silico prediction for this alteration is inconclusive. Based on the available evidence, the clinical significance of this variant remains unclear.

NM_004329.3(BMPR1A):c.397T>C (p.Tyr133His)

Gene: BMPR1A (bone morphogenetic protein receptor type 1A; plus strand). Cytogenetic location: 10q23.2.
Variant type: single nucleotide variant.
Coding change: c.397T>C on transcript NM_004329.3 (MANE Select); coding-DNA position 397, T replaced by C.
Protein change: p.Tyr133His; replaces tyrosine 133 with histidine.
Molecular consequence: missense variant. On other transcripts: non-coding transcript variant (3), intron variant (1).
Genome position (GRCh38, 1-based): chr10:86,899,857, T>C. VCF-style: chr10-86899857-T-C. GRCh37 (hg19) VCF-style: chr10-88659614-T-C.
Other names: c.397T>C, p.Tyr133His (NM_001406572.1, NM_001406573.1, NM_001406574.1 and 22 more transcripts); c.313T>C, p.Tyr105His (NM_001406584.1, NM_001406585.1, NM_001406586.1 and 2 more transcripts); c.333+7628T>C (NM_001406589.1); short protein forms Y105H, Y133H.
Identifiers: ClinVar variation 3261227 (VCV003261227.1).